The following is an entry in ClinVar:

ClinVar aggregate classification (germline): Uncertain significance. Review status: criteria provided, multiple submitters, no conflicts (2 of 4 stars). 2 submissions from 2 submitters: Uncertain significance (2). Last evaluated 2025-06-09.

Conditions:
Peripheral neuropathy. Also called: Neuropathy. Identifiers: MedGen C0031117, MONDO:0005244, HP:0009830.

Allele frequency attached by ClinVar (database versions not stated): gnomAD exomes 0.00001; gnomAD 0.00002; TOPMed 0.00002.
gnomAD v4.1: 6 of 1,613,706 alleles (0.00037%); highest among the groups gnomAD compares: Non-Finnish European, 0.00051%; no homozygotes.

Submissions (2):

Ambry Genetics
Classification: Uncertain significance. Last evaluated: 2025-06-09. Review status: criteria provided, single submitter. Criteria: Ambry Variant Classification Scheme 2023. Collection method: clinical testing. Allele origin: germline.

Labcorp Genetics (formerly Invitae), Labcorp
Classification: Uncertain significance for Peripheral neuropathy. Last evaluated: 2019-04-03. Review status: criteria provided, single submitter. Criteria: Invitae Variant Classification Sherloc (09022015). Collection method: clinical testing. Allele origin: germline.
Comment: This sequence change replaces lysine with asparagine at codon 456 of the FLRT1 protein (p.Lys456Asn). The lysine residue is highly conserved and there is a moderate physicochemical difference between lysine and asparagine. This variant is not present in population databases (ExAC no frequency). This variant has not been reported in the literature in individuals with FLRT1-related disease. Algorithms developed to predict the effect of missense changes on protein structure and function (SIFT, PolyPhen-2, Align-GVGD) all suggest that this variant is likely to be tolerated, but these predictions have not been confirmed by published functional studies and their clinical significance is uncertain. In summary, the available evidence is currently insufficient to determine the role of this variant in disease. Therefore, it has been classified as a Variant of Uncertain Significance.

NM_013280.5(FLRT1):c.1368G>T (p.Lys456Asn)

Genes: FLRT1 (fibronectin leucine rich transmembrane protein 1; plus strand), MACROD1 (mono-ADP ribosylhydrolase 1; minus strand). Cytogenetic location: 11q13.1.
Variant type: single nucleotide variant.
Coding change: c.1368G>T on transcript NM_013280.5 (MANE Select); coding-DNA position 1368, G replaced by T.
Protein change: p.Lys456Asn; replaces lysine 456 with asparagine.
Molecular consequence: missense variant. On other transcripts: intron variant (2).
Genome position (GRCh38, 1-based): chr11:64,117,635, G>T. VCF-style: chr11-64117635-G-T. GRCh37 (hg19) VCF-style: chr11-63885107-G-T.
Other names: c.1368G>T, p.Lys456Asn (NM_001384466.1); c.1284G>T, p.Lys428Asn (NM_001423967.1); c.517+33604C>A (NM_001411019.1, NM_014067.4); short protein forms K456N, K428N.
Identifiers: ClinVar variation 566560 (VCV000566560.13), dbSNP rs1395376914, ClinGen allele CA381061538.